The following is an entry in ClinVar:

NM_004281.4(BAG3):c.1166G>A (p.Ser389Asn)

Gene: BAG3 (BAG cochaperone 3; plus strand). Cytogenetic location: 10q26.11.
Variant type: single nucleotide variant.
Coding change: c.1166G>A on transcript NM_004281.4 (MANE Select); coding-DNA position 1166, G replaced by A.
Protein change: p.Ser389Asn; replaces serine 389 with asparagine.
Molecular consequence: missense variant.
Genome position (GRCh38, 1-based): chr10:119,676,720, G>A. VCF-style: chr10-119676720-G-A. GRCh37 (hg19) VCF-style: chr10-121436232-G-A.
Other names: p.S389N:AGT>AAT; short protein forms S389N.
Identifiers: ClinVar variation 201677 (VCV000201677.16), dbSNP rs140251789, ClinGen allele CA308218.
Genomic context (GRCh38, chr10:119,676,720, plus strand): 5'-CTCCAGTTCCTTGTCCTCCTCCCAGCCCTGGCCCTTCTGCTGTCCCCTCTTCCCCCAAGA[G>A]TGTGGCTACAGAAGAGAGGGCAGCCCCCAGCACTGCCCCTGCAGAAGCTACACCTCCAAA-3'
Protein context (NP_004272.2, residues 379-399): GPSAVPSSPK[Ser389Asn]VATEERAAPS

ClinVar aggregate classification (germline): Conflicting classifications of pathogenicity. Review status: criteria provided, conflicting classifications (1 of 4 stars). 4 submissions from 4 submitters: Uncertain significance (2); Likely benign (2). Last evaluated 2026-01-12.

Conditions:
Dilated cardiomyopathy 1HH (CMD1HH). Identifiers: Orphanet 154, MedGen C3151293, MONDO:0013479, OMIM 613881.
Myofibrillar myopathy 6. Identifiers: Orphanet 199340, MedGen C2751831, MONDO:0013061, OMIM 612954.
Cardiovascular phenotype. Identifiers: MedGen CN230736.

Allele frequency attached by ClinVar (database versions not stated): gnomAD exomes below 0.00001 and 0.00004; ExAC 0.00006; gnomAD 0.00006 and 0.00007; TOPMed 0.00008; 1000 Genomes Project 30x 0.00016; 1000 Genomes Project 0.00020; ESP Exome Variant Server 0.00023.

Submissions (4):

Labcorp Genetics (formerly Invitae), Labcorp
Classification: Likely benign for Dilated cardiomyopathy 1HH; Myofibrillar myopathy 6. Last evaluated: 2026-01-12. Review status: criteria provided, single submitter. Criteria: Invitae Variant Classification Sherloc (09022015). Collection method: clinical testing. Allele origin: germline.

Fulgent Genetics
Classification: Uncertain significance for Myofibrillar myopathy 6; Dilated cardiomyopathy 1HH. Last evaluated: 2021-09-02. Review status: criteria provided, single submitter. Criteria: ACMG Guidelines, 2015. Collection method: clinical testing. Allele origin: unknown.

Ambry Genetics
Classification: Likely benign for Cardiovascular phenotype. Last evaluated: 2019-11-26. Review status: criteria provided, single submitter. Criteria: Ambry Variant Classification Scheme 2023. Collection method: clinical testing. Allele origin: germline.

GeneDx
Classification: Uncertain significance. Last evaluated: 2017-01-05. Review status: criteria provided, single submitter. Criteria: GeneDx Variant Classification (06012015). Collection method: clinical testing. Allele origin: germline. Affected: yes.
Comment: A variant of uncertain significance has been identified in the BAG3 gene. The S389N variant has not been published as a pathogenic variant, nor has it been reported as a benign variant to our knowledge. This variant was not observed with any significant frequency in approximately 6,500 individuals of European and African American ancestry in the NHLBI Exome Sequencing Project or in the Exome Aggregation Consortium (ExAC) data set. However, the S389N variant is a conservative amino acid substitution, which is not likely to impact secondary protein structure as these residues share similar properties. This substitution occurs at a position that is not conserved across species and where asparagine is the wild type in multiple species. Finally, in silico analysis predicts this variant likely does not alter the protein structure/function.